The following is an entry in ClinVar:

NM_014846.4(WASHC5):c.1178G>A (p.Arg393His)

Gene: WASHC5 (WASH complex subunit 5; minus strand). Cytogenetic location: 8q24.13.
Variant type: single nucleotide variant.
Coding change: c.1178G>A on transcript NM_014846.4 (MANE Select); coding-DNA position 1178, G replaced by A.
Protein change: p.Arg393His; replaces arginine 393 with histidine.
Molecular consequence: missense variant.
Genome position (GRCh38, 1-based): chr8:125,067,692, C>T on the plus strand (G>A on the coding strand, the complement: WASHC5 is on the minus strand). VCF-style: chr8-125067692-C-T. GRCh37 (hg19) VCF-style: chr8-126079934-C-T.
Other names: p.Arg393His; c.734G>A, p.Arg245His (NM_001330609.2); short protein forms R393H, R245H.
Identifiers: ClinVar variation 566111 (VCV000566111.45), dbSNP rs151298198, ClinGen allele CA4873900.

ClinVar aggregate classification (germline): Conflicting classifications of pathogenicity. Review status: criteria provided, conflicting classifications (1 of 4 stars). 6 submissions from 6 submitters: Uncertain significance (5); Likely benign (1). Last evaluated 2025-09-23.

Conditions:
Ritscher-Schinzel syndrome. Also called: CRANIOCEREBELLOCARDIAC DYSPLASIA. Identifiers: Orphanet 7, MedGen C0796137, MONDO:0019078.
Hereditary spastic paraplegia 8 (SPG8). Also called: SPASTIC PARAPLEGIA 8, AUTOSOMAL DOMINANT. Identifiers: Orphanet 100989, MedGen C1863704, MONDO:0011339, OMIM 603563.
Inborn genetic diseases. Identifiers: MedGen C0950123, MeSH D030342.

Allele frequency attached by ClinVar (database versions not stated): 1000 Genomes Project 30x 0.00016; gnomAD 0.00016; gnomAD exomes 0.00017; ExAC 0.00018; 1000 Genomes Project 0.00020; TOPMed 0.00022; ESP Exome Variant Server 0.00054.
gnomAD v4.1: 504 of 1,613,700 alleles (0.031%); highest among the groups gnomAD compares: Non-Finnish European, 0.039%; no homozygotes.

Submissions (6):

Labcorp Genetics (formerly Invitae), Labcorp
Classification: Uncertain significance for Ritscher-Schinzel syndrome; Hereditary spastic paraplegia 8. Last evaluated: 2025-09-23. Review status: criteria provided, single submitter. Criteria: Invitae Variant Classification Sherloc (09022015). Collection method: clinical testing. Allele origin: germline.
Comment: This sequence change replaces arginine, which is basic and polar, with histidine, which is basic and polar, at codon 393 of the WASHC5 protein (p.Arg393His). This variant is present in population databases (rs151298198, gnomAD 0.03%). This missense change has been observed in individual(s) with spastic paraplegia (PMID: 31814071). ClinVar contains an entry for this variant (Variation ID: 566111). Invitae Evidence Modeling of protein sequence and biophysical properties (such as structural, functional, and spatial information, amino acid conservation, physicochemical variation, residue mobility, and thermodynamic stability) has been performed for this missense variant. However, the output from this modeling did not meet the statistical confidence thresholds required to predict the impact of this variant on WASHC5 protein function. In summary, the available evidence is currently insufficient to determine the role of this variant in disease. Therefore, it has been classified as a Variant of Uncertain Significance.

Mayo Clinic Laboratories, Mayo Clinic
Classification: Uncertain significance. Last evaluated: 2025-02-24. Review status: criteria provided, single submitter. Criteria: ACMG Guidelines, 2015. Collection method: clinical testing. Allele origin: germline. Observed: 1 variant allele.
Comment: PM2_supporting

GeneDx
Classification: Uncertain significance. Last evaluated: 2023-10-05. Review status: criteria provided, single submitter. Criteria: GeneDx Variant Classification Process June 2021. Collection method: clinical testing. Allele origin: germline. Affected: yes.
Comment: In silico analysis, which includes protein predictors and evolutionary conservation, supports a deleterious effect; This variant is associated with the following publications: (PMID: 31814071)

CeGaT Center for Human Genetics Tuebingen
Classification: Uncertain significance. Last evaluated: 2023-02-01. Review status: criteria provided, single submitter. Criteria: CeGaT Center For Human Genetics Tuebingen Variant Classification Criteria Version 2. Collection method: clinical testing. Allele origin: germline. Affected: yes. Observed: 1 variant allele.

Ambry Genetics
Classification: Uncertain significance for Inborn genetic diseases. Last evaluated: 2022-05-27. Review status: criteria provided, single submitter. Criteria: Ambry Variant Classification Scheme 2023. Collection method: clinical testing. Allele origin: germline.
Comment: Unlikely to be causative of WASHC5-related spastic paraplegia (AD) Based on insufficient or conflicting evidence, the clinical significance of this alteration remains unclear.

Illumina Laboratory Services, Illumina
Classification: Likely benign for Hereditary spastic paraplegia 8. Last evaluated: 2018-01-13. Review status: criteria provided, single submitter. Criteria: ICSL Variant Classification Criteria 13 December 2019. Collection method: clinical testing. Allele origin: germline.
Comment: This variant was observed in the ICSL laboratory as part of a predisposition screen in an ostensibly healthy population. It had not been previously curated by ICSL or reported in the Human Gene Mutation Database (HGMD: prior to June 1st, 2018), and was therefore a candidate for classification through an automated scoring system. Utilizing variant allele frequency, disease prevalence and penetrance estimates, and inheritance mode, an automated score was calculated to assess if this variant is too frequent to cause the disease. Based on the score and internal cut-off values, a variant classified as likely benign is not then subjected to further curation. The score for this variant resulted in a classification of likely benign for this disease.

Literature cited by the submitters: PubMed 31814071 (cited by Labcorp Genetics (formerly Invitae), Labcorp and Mayo Clinic Laboratories, Mayo Clinic).